The following is an entry in ClinVar:

NM_005912.3(MC4R):c.922G>A (p.Glu308Lys)

Gene: MC4R (melanocortin 4 receptor; minus strand). Cytogenetic location: 18q21.32.
Variant type: single nucleotide variant.
Coding change: c.922G>A on transcript NM_005912.3 (MANE Select); coding-DNA position 922, G replaced by A.
Protein change: p.Glu308Lys; replaces glutamic acid 308 with lysine.
Molecular consequence: missense variant.
Genome position (GRCh38, 1-based): chr18:60,371,428, C>T on the plus strand (G>A on the coding strand, the complement: MC4R is on the minus strand). VCF-style: chr18-60371428-C-T. GRCh37 (hg19) VCF-style: chr18-58038661-C-T.
Other names: c.922G>A (NM_005912.2); short protein forms E308K.
Identifiers: ClinVar variation 4888306 (VCV004888306.2).
Genomic context (GRCh38, chr18:60,371,428, plus strand): 5'-AGTCACAAAGGCCTCCCAGGGGATAGCAACAGATGATCTCTTTGAAGGTTTTCCTCAGTT[C>T]TTGACTCCGGAGTGCATAAATCAGAGGATCGATGATTGAATTACACATGATCAGTATGAG-3'
Protein context (NP_005903.2, residues 298-318): DPLIYALRSQ[Glu308Lys]LRKTFKEIIC

ClinVar aggregate classification (germline): Uncertain significance. Review status: criteria provided, multiple submitters, no conflicts (2 of 4 stars). 2 submissions from 2 submitters: Uncertain significance (2). Last evaluated 2026-05-12.

Conditions:
Early onset severe obesity. Identifiers: MedGen C4013980.
MC4R-related disorder. Also called: MC4R-related condition.

Submissions (2):

PreventionGenetics, part of Exact Sciences
Classification: Uncertain significance for MC4R-related condition. Last evaluated: 2026-05-12. Review status: criteria provided, single submitter. Criteria: ACMG Guidelines, 2015. Collection method: clinical testing. Allele origin: germline.
Comment: The MC4R c.922G>A variant is predicted to result in the amino acid substitution p.Glu308Lys. This variant is documented in the gnomAD general population database in just three of ~283,000 alleles. It was first reported in the heterozygous state in an individual with severe early-onset obesity; however it was also present in multiple non-obese family members (Santini et al. 2004. PubMed ID: 14764812). In vitro functional assays conducted by Santini et al. indicated that the variant is deleterious. By contrast, the p.Glu308Lys variant was found to have wild-type pharmacological profiles and cell-surface expression in a follow-up study (Xiang. 2010. PubMed ID: 20462274). Taken together, at this time, the clinical significance of this variant is uncertain due to the absence of conclusive functional and genetic evidence. Notably, an individual heterozygous for MC4R p.Glu308Lys was treated for obesity with the drug methylphenidate and experienced a dramatic reduction of BMI (Albayrak et al. 2011. PubMed ID: 21211528).

Cambridge Genomics Laboratory, East Genomic Laboratory Hub, NHS Genomic Medicine Service
Classification: Uncertain significance for Severe early-onset obesity. Last evaluated: 2023-12-22. Review status: criteria provided, single submitter. Criteria: ACGS Best Practice Guidelines for Variant Classification in Rare Disease 2020. Collection method: clinical testing. Allele origin: germline. Affected: yes.
Comment: There are no benign variants within 3 amino acid positions of the variant p.Glu308Lys. (PM1_Supporting - Supporting) | Functional studies demonstrate that this variant has a damaging effect on the gene or gene product (PS3_Moderate - Moderate)